The following is an entry in ClinVar:

ClinVar aggregate classification (germline): Benign/Likely benign. Review status: criteria provided, multiple submitters, no conflicts (2 of 4 stars). 8 submissions from 8 submitters: Benign (2); Likely benign (5). 1 of the submissions does not count toward it. Last evaluated 2026-09-01.

Conditions:
KMT2A-related disorder. Also called: KMT2A-related condition.
Wiedemann-Steiner syndrome (WDSTS). Also called: Growth deficiency and mental retardation with facial dysmorphism. Identifiers: Orphanet 319182, MedGen C1854630, MONDO:0011518, OMIM 605130.

Allele frequency attached by ClinVar (database versions not stated): ESP Exome Variant Server 0.00046; 1000 Genomes Project 0.00080; ExAC 0.00084; 1000 Genomes Project 30x 0.00094; gnomAD exomes 0.00096 and 0.00105; gnomAD 0.00109; TOPMed 0.00137.
gnomAD v4.1: 1,697 of 1,613,856 alleles (0.11%); highest among the groups gnomAD compares: Admixed American, 0.33%; no homozygotes.

Submissions (8):

CeGaT Center for Human Genetics Tuebingen
Classification: Likely benign. Last evaluated: 2026-09-01. Review status: criteria provided, single submitter. Criteria: CeGaT Center For Human Genetics Tuebingen Variant Classification Criteria Version 2. Collection method: clinical testing. Allele origin: germline. Affected: yes. Observed: 8 variant alleles.
Comment: KMT2A: BP4, BS1

Labcorp Genetics (formerly Invitae), Labcorp
Classification: Likely benign. Last evaluated: 2026-01-28. Review status: criteria provided, single submitter. Criteria: Invitae Variant Classification Sherloc (09022015). Collection method: clinical testing. Allele origin: germline.

Blueprint Genetics
Classification: Benign. Last evaluated: 2024-10-29. Review status: criteria provided, single submitter. Criteria: ACMG Guidelines, 2015. Collection method: clinical testing. Allele origin: germline.

Fulgent Genetics
Classification: Likely benign for Wiedemann-Steiner syndrome. Last evaluated: 2022-01-06. Review status: criteria provided, single submitter. Criteria: ACMG Guidelines, 2015. Collection method: clinical testing. Allele origin: unknown.

GeneDx
Classification: Benign. Last evaluated: 2019-07-24. Review status: criteria provided, single submitter. Criteria: GeneDx Variant Classification Process June 2021. Collection method: clinical testing. Allele origin: germline. Affected: yes.

Genetic Services Laboratory, University of Chicago
Classification: Likely benign. Last evaluated: 2014-01-03. Review status: criteria provided, single submitter. Criteria: ACMG Guidelines, 2007. Collection method: clinical testing. Allele origin: germline. Inheritance: Autosomal dominant inheritance.

Breakthrough Genomics
Classification: Likely benign. Review status: criteria provided, single submitter. Criteria: ACMG Guidelines, 2015. Collection method: not provided. Allele origin: germline. Inheritance: Autosomal dominant inheritance. Affected: yes.

PreventionGenetics, part of Exact Sciences
Classification: Likely benign for KMT2A-related condition. Last evaluated: 2019-05-30. Review status: no assertion criteria provided. Collection method: clinical testing. Allele origin: germline. Not counted in ClinVar's aggregate classification.
Comment: This variant is classified as likely benign based on ACMG/AMP sequence variant interpretation guidelines (Richards et al. 2015 PMID: 25741868, with internal and published modifications).

NM_001197104.2(KMT2A):c.6572G>A (p.Arg2191Gln)

Gene: KMT2A (lysine methyltransferase 2A; plus strand). Cytogenetic location: 11q23.3.
Variant type: single nucleotide variant.
Coding change: c.6572G>A on transcript NM_001197104.2 (MANE Select); coding-DNA position 6572, G replaced by A.
Protein change: p.Arg2191Gln; replaces arginine 2191 with glutamine.
Molecular consequence: missense variant.
Genome position (GRCh38, 1-based): chr11:118,502,464, G>A. VCF-style: chr11-118502464-G-A. GRCh37 (hg19) VCF-style: chr11-118373179-G-A.
Other names: c.6563G>A, p.Arg2188Gln (NM_005933.4); short protein forms R2191Q, R2188Q.
Identifiers: ClinVar variation 158706 (VCV000158706.44), dbSNP rs141727765, ClinGen allele CA090918.
Genomic context (GRCh38, chr11:118,502,464, plus strand): 5'-CTACCCCAACCACTCATGAAATAGTCACAGTAGGTGATCCTTTACTCTCCTCTGGACTTC[G>A]AAGCATTGGCTCCAGGCGTCACAGTACCTCTTCCTTATCACCCCAGCGGTCCAAACTCCG-3'
Protein context (NP_001184033.1, residues 2181-2201): VGDPLLSSGL[Arg2191Gln]SIGSRRHSTS